The following is an entry in ClinVar:

NM_007194.4(CHEK2):c.700delinsTTTAA (p.Val234fs)

Gene: CHEK2 (checkpoint kinase 2; minus strand). Cytogenetic location: 22q12.1.
Variant type: Indel.
Coding change: c.700delinsTTTAA on transcript NM_007194.4 (MANE Select); coding-DNA position 700, G replaced by TTTAA.
Protein change: p.Val234fs; shifts the reading frame from valine 234.
Molecular consequence: frameshift variant.
Genome position (GRCh38, 1-based): chr22:28,712,001, C replaced by TTAAA on the plus strand (G replaced by TTTAA on the coding strand, the reverse complement: CHEK2 is on the minus strand). VCF-style: chr22-28712001-C-TTAAA. GRCh37 (hg19) VCF-style: chr22-29107989-C-TTAAA.
Other names: c.700delinsTTTAA (NM_007194.3); c.829delGinsTTTAA, p.Val277Phefs (NM_001005735.3); c.37delGinsTTTAA, p.Val13Phefs (NM_001257387.3); c.499delGinsTTTAA, p.Val167Phefs (NM_001349956.3); c.700delGinsTTTAA, p.Val234Phefs (NM_145862.3); short protein forms V167fs, V277fs, V234fs, V13fs.
Identifiers: ClinVar variation 826773 (VCV000826773.13), dbSNP rs1601783879, ClinGen allele CA915952862.

ClinVar aggregate classification (germline): Pathogenic. Review status: criteria provided, multiple submitters, no conflicts (2 of 4 stars). 3 submissions from 3 submitters: Pathogenic (3). Last evaluated 2025-02-03.

Conditions:
Hereditary cancer-predisposing syndrome. Also called: Neoplastic Syndromes, Hereditary; Tumor predisposition; Hereditary neoplastic syndrome; Hereditary Cancer Syndrome. Identifiers: Orphanet 140162, MedGen C0027672, MeSH D009386, MONDO:0015356.
Familial cancer of breast. Also called: BREAST CANCER, FAMILIAL; Hereditary breast cancer; hereditary breast carcinoma. Identifiers: Orphanet 227535, MedGen C0346153, MONDO:0016419, OMIM 114480. Disease mechanism: loss of function.

Submissions (3):

Ambry Genetics
Classification: Pathogenic for Hereditary cancer-predisposing syndrome. Last evaluated: 2025-02-03. Review status: criteria provided, single submitter. Criteria: Ambry Variant Classification Scheme 2023. Collection method: clinical testing. Allele origin: germline.
Comment: The c.700delGinsTTTAA pathogenic mutation, located in coding exon 5 of the CHEK2 gene, results from the deletion of one nucleotide and insertion of 5 nucleotides causing a translational frameshift with a predicted alternate stop codon (p.V234Ffs*12). This alteration is expected to result in loss of function by premature protein truncation or nonsense-mediated mRNA decay. As such, this alteration is interpreted as a disease-causing mutation.

Labcorp Genetics (formerly Invitae), Labcorp
Classification: Pathogenic for Familial cancer of breast. Last evaluated: 2024-09-09. Review status: criteria provided, single submitter. Criteria: Invitae Variant Classification Sherloc (09022015). Collection method: clinical testing. Allele origin: germline.
Comment: This sequence change creates a premature translational stop signal (p.Val234Phefs*12) in the CHEK2 gene. It is expected to result in an absent or disrupted protein product. Loss-of-function variants in CHEK2 are known to be pathogenic (PMID: 21876083, 24713400). Information on the frequency of this variant in the gnomAD database is not available, as this variant may be reported differently in the database. This variant has not been reported in the literature in individuals affected with CHEK2-related conditions. For these reasons, this variant has been classified as Pathogenic.

Myriad Genetics, Inc.
Classification: Pathogenic for Familial cancer of breast. Last evaluated: 2023-06-26. Review status: criteria provided, single submitter. Criteria: Myriad Autosomal Dominant, Autosomal Recessive and X-Linked Classification Criteria (2023). Collection method: clinical testing. Allele origin: unknown.
Comment: This variant is considered pathogenic. This variant creates a frameshift predicted to result in premature protein truncation.

Literature cited by the submitters: PubMed 21876083 (cited by Labcorp Genetics (formerly Invitae), Labcorp); PubMed 24713400 (cited by Labcorp Genetics (formerly Invitae), Labcorp).